The following is an entry in ClinVar:

NM_003611.3(OFD1):c.567G>A (p.Gln189=)

Gene: OFD1 (OFD1 centriole and centriolar satellite protein; plus strand). Cytogenetic location: Xp22.2.
Variant type: single nucleotide variant.
Coding change: c.567G>A on transcript NM_003611.3 (MANE Select); coding-DNA position 567, G replaced by A.
Protein change: p.Gln189=; no amino-acid change (glutamine 189 retained).
Molecular consequence: synonymous variant.
Genome position (GRCh38, 1-based): chrX:13,746,368, G>A. VCF-style: chrX-13746368-G-A. GRCh37 (hg19) VCF-style: chrX-13764487-G-A.
Other names: c.567G>A, p.Gln189= (NM_001330209.2); c.147G>A, p.Gln49= (NM_001330210.2).
Identifiers: ClinVar variation 703554 (VCV000703554.25), dbSNP rs375104416, ClinGen allele CA10351645.

ClinVar aggregate classification (germline): Benign/Likely benign. Review status: criteria provided, multiple submitters, no conflicts (2 of 4 stars). 4 submissions from 4 submitters: Benign (1); Likely benign (2). 1 of the submissions does not count toward it. Last evaluated 2026-01-18.

Conditions:
OFD1-related disorder. Also called: OFD1-related condition.
Orofaciodigital syndrome I (OFD1). Also called: OFDS I; Papillon-Leage and Psaume Syndrome; Oral-Facial-Digital Syndrome Type I. Identifiers: Orphanet 2750, MedGen C1510460, MONDO:0010702, OMIM 311200.
Joubert syndrome. Also called: JOUBERT-BOLTSHAUSER SYNDROME; Familial aplasia of the vermis. Identifiers: Orphanet 475, MedGen C5979921, MONDO:0018772.
Primary ciliary dyskinesia. Also called: Ciliary dyskinesia. Identifiers: Orphanet 244, MedGen C0008780, MONDO:0016575, HP:0012265.

Allele frequency attached by ClinVar (database versions not stated): gnomAD 0.00005; TOPMed 0.00005; ExAC 0.00007; gnomAD exomes 0.00009 and 0.00010; ESP Exome Variant Server 0.00019.
gnomAD v4.1: 102 of 1,203,608 alleles (0.0085%); highest among the groups gnomAD compares: Non-Finnish European, 0.011%; 1 homozygote.

Submissions (4):

Labcorp Genetics (formerly Invitae), Labcorp
Classification: Benign for Orofaciodigital syndrome I; Joubert syndrome. Last evaluated: 2026-01-18. Review status: criteria provided, single submitter. Criteria: Invitae Variant Classification Sherloc (09022015). Collection method: clinical testing. Allele origin: germline.

Blueprint Genetics
Classification: Likely benign. Last evaluated: 2024-06-27. Review status: criteria provided, single submitter. Criteria: ACMG Guidelines, 2015. Collection method: clinical testing. Allele origin: germline.

Ambry Genetics
Classification: Likely benign for Primary ciliary dyskinesia. Last evaluated: 2017-09-26. Review status: criteria provided, single submitter. Criteria: Ambry Variant Classification Scheme 2023. Collection method: clinical testing. Allele origin: germline.

PreventionGenetics, part of Exact Sciences
Classification: Likely benign for OFD1-related condition. Last evaluated: 2022-05-20. Review status: no assertion criteria provided. Collection method: clinical testing. Allele origin: germline. Not counted in ClinVar's aggregate classification.
Comment: This variant is classified as likely benign based on ACMG/AMP sequence variant interpretation guidelines (Richards et al. 2015 PMID: 25741868, with internal and published modifications).